The following is an entry in ClinVar:

NM_015909.4(NBAS):c.2584T>C (p.Cys862Arg)

Gene: NBAS (NBAS subunit of NRZ tethering complex; minus strand). Cytogenetic location: 2p24.3.
Variant type: single nucleotide variant.
Coding change: c.2584T>C on transcript NM_015909.4 (MANE Select); coding-DNA position 2584, T replaced by C.
Protein change: p.Cys862Arg; replaces cysteine 862 with arginine.
Molecular consequence: missense variant. On other transcripts: non-coding transcript variant (1).
Genome position (GRCh38, 1-based): chr2:15,417,706, A>G on the plus strand (T>C on the coding strand, the complement: NBAS is on the minus strand). VCF-style: chr2-15417706-A-G. GRCh37 (hg19) VCF-style: chr2-15557830-A-G.
Other names: short protein forms C862R.
Identifiers: ClinVar variation 1350896 (VCV001350896.8), dbSNP rs2148464182, ClinGen allele CA345887189.
Genomic context (GRCh38, chr2:15,417,706, plus strand): 5'-AGAGAACCAGCAAACCAGGAATATTCCGCTCCATCCCAAGTCGAATAAGTGACAATGCAC[A>G]GTCCACCTAAAATTGAAAAGCAACAATAAGTTCCTGAGTATTATATATTTCTCATCTATT-3'
Protein context (NP_056993.2, residues 852-872): EIEHYARQVD[Cys862Arg]ALSLIRLGME

ClinVar aggregate classification (germline): Uncertain significance (1 of 4 stars; one submission).

Submission:

Labcorp Genetics (formerly Invitae), Labcorp
Classification: Uncertain significance. Last evaluated: 2021-05-03. Review status: criteria provided, single submitter. Criteria: Invitae Variant Classification Sherloc (09022015). Collection method: clinical testing. Allele origin: germline.
Comment: In summary, the available evidence is currently insufficient to determine the role of this variant in disease. Therefore, it has been classified as a Variant of Uncertain Significance. Algorithms developed to predict the effect of missense changes on protein structure and function are either unavailable or do not agree on the potential impact of this missense change (SIFT: "Deleterious"; PolyPhen-2: "Benign"; Align-GVGD: "Class C65"). This variant has not been reported in the literature in individuals with NBAS-related conditions. This variant is not present in population databases (ExAC no frequency). This sequence change replaces cysteine with arginine at codon 862 of the NBAS protein (p.Cys862Arg). The cysteine residue is highly conserved and there is a large physicochemical difference between cysteine and arginine.